The following is an entry in ClinVar:

ClinVar aggregate classification (germline): Uncertain significance. Review status: criteria provided, multiple submitters, no conflicts (2 of 4 stars). 2 submissions from 2 submitters: Uncertain significance (2). Last evaluated 2019-08-21.

Conditions:
Ataxia-telangiectasia-like disorder 1 (ATLD1). Identifiers: Orphanet 251347, MedGen C4012790, MONDO:0024557, OMIM 604391.
Hereditary cancer-predisposing syndrome. Also called: Tumor predisposition; Hereditary Cancer Syndrome; Neoplastic Syndromes, Hereditary; Hereditary neoplastic syndrome. Identifiers: Orphanet 140162, MedGen C0027672, MeSH D009386, MONDO:0015356.

gnomAD v4.1: 1 of 1,613,316 alleles (0.000062%); highest among the groups gnomAD compares: Non-Finnish European, 0.000085%; no homozygotes.

Submissions (2):

Revvity Omics, Revvity
Classification: Uncertain significance for Ataxia-telangiectasia-like disorder 1. Last evaluated: 2019-08-21. Review status: criteria provided, single submitter. Criteria: ACMG Guidelines, 2015. Collection method: clinical testing. Allele origin: germline.

Ambry Genetics
Classification: Uncertain significance for Hereditary cancer-predisposing syndrome. Last evaluated: 2018-06-18. Review status: criteria provided, single submitter. Criteria: Ambry Variant Classification Scheme 2023. Collection method: clinical testing. Allele origin: germline.
Comment: The p.I320V variant (also known as c.958A>G), located in coding exon 8 of the MRE11A gene, results from an A to G substitution at nucleotide position 958. The isoleucine at codon 320 is replaced by valine, an amino acid with highly similar properties. This amino acid position is not well conserved in available vertebrate species. In addition, this alteration is predicted to be tolerated by in silico analysis. Since supporting evidence is limited at this time, the clinical significance of this alteration remains unclear.

NM_005591.4(MRE11):c.958A>G (p.Ile320Val)

Gene: MRE11 (MRE11 double strand break repair nuclease; minus strand). Cytogenetic location: 11q21.
Variant type: single nucleotide variant.
Coding change: c.958A>G on transcript NM_005591.4 (MANE Select); coding-DNA position 958, A replaced by G.
Protein change: p.Ile320Val; replaces isoleucine 320 with valine.
Molecular consequence: missense variant.
Genome position (GRCh38, 1-based): chr11:94,470,530, T>C on the plus strand (A>G on the coding strand, the complement: MRE11 is on the minus strand). VCF-style: chr11-94470530-T-C. GRCh37 (hg19) VCF-style: chr11-94203696-T-C.
Other names: c.958A>G, p.Ile320Val (NM_001330347.2, NM_005590.4); short protein forms I320V.
Identifiers: ClinVar variation 823343 (VCV000823343.7), dbSNP rs762210984, ClinGen allele CA382374326.
Genomic context (GRCh38, chr11:94,470,530, plus strand): 5'-CCTTCTCCAAACAGAAGCTTTGTATGGCTTGGGTTACTTTAGGATTATCTGGGTTAAAAA[T>C]GTCTGGATGATTAGCTAGAACAATATCCTCCATGAAAAACTGCCGCACTGTGTGAAGAGG-3'
Protein context (NP_005582.1, residues 310-330): EDIVLANHPD[Ile320Val]FNPDNPKVTQ